The following is an entry in ClinVar:

ClinVar aggregate classification (germline): Likely pathogenic (1 of 4 stars; one submission).

Conditions:
Congenital microcephaly - severe encephalopathy - progressive cerebral atrophy syndrome. Also called: Asparagine synthetase deficiency; ASNS DEFICIENCY. Identifiers: Orphanet 391376, MedGen C3809971, MONDO:0014258, OMIM 615574.

Submission:

Juno Genomics, Hangzhou Juno Genomics, Inc
Classification: Likely pathogenic for Congenital microcephaly - severe encephalopathy - progressive cerebral atrophy syndrome. Review status: criteria provided, single submitter. Criteria: ACMG Guidelines, 2015. Collection method: clinical testing. Allele origin: germline.
Comment: Null variant in a gene where loss of function (LOF) is a known mechanism of disease.;Absent from controls (or at extremely low frequency if recessive) in Genome Aggregation Database.

NM_001673.5(ASNS):c.903+1G>T

Genes: ASNS (asparagine synthetase (glutamine-hydrolyzing); minus strand), CZ1P-ASNS (CZ1P-ASNS readthrough; minus strand). Cytogenetic location: 7q21.3.
Variant type: single nucleotide variant.
Coding change: c.903+1G>T on transcript NM_001673.5 (MANE Select); the canonical splice donor site of the intron after coding-DNA position 903, G replaced by T.
Molecular consequence: splice donor variant.
Genome position (GRCh38, 1-based): chr7:97,858,277, C>A on the plus strand (G>T on the coding strand, the complement: ASNS is on the minus strand). VCF-style: chr7-97858277-C-A. GRCh37 (hg19) VCF-style: chr7-97487589-C-A.
Other names: c.903+1G>T (NM_001352496.2, NM_183356.4, NM_133436.3); c.654+1G>T (NM_001178076.2, NM_001178077.1); c.840+1G>T (NM_001178075.2).
Identifiers: ClinVar variation 5007250 (VCV005007250.2).